The following is an entry in ClinVar:

NM_006231.4(POLE):c.1107G>A (p.Trp369Ter)

Gene: POLE (DNA polymerase epsilon, catalytic subunit; minus strand). Cytogenetic location: 12q24.33.
Variant type: single nucleotide variant.
Coding change: c.1107G>A on transcript NM_006231.4 (MANE Select); coding-DNA position 1107, G replaced by A.
Protein change: p.Trp369Ter; replaces tryptophan 369 with a stop codon.
Molecular consequence: nonsense.
Genome position (GRCh38, 1-based): chr12:132,675,517, C>T on the plus strand (G>A on the coding strand, the complement: POLE is on the minus strand). VCF-style: chr12-132675517-C-T. GRCh37 (hg19) VCF-style: chr12-133252103-C-T.
Other names: short protein forms W369*.
Identifiers: ClinVar variation 545976 (VCV000545976.5), dbSNP rs1171878347, ClinGen allele CA387361242.

ClinVar aggregate classification (germline): Conflicting classifications of pathogenicity. Review status: criteria provided, conflicting classifications (1 of 4 stars). 3 submissions from 3 submitters: Pathogenic (1); Uncertain significance (2). Last evaluated 2025-10-07.

Conditions:
Hereditary cancer-predisposing syndrome. Also called: Neoplastic Syndromes, Hereditary; Hereditary Cancer Syndrome; Tumor predisposition; Hereditary neoplastic syndrome. Identifiers: Orphanet 140162, MedGen C0027672, MeSH D009386, MONDO:0015356.

Allele frequency attached by ClinVar (database versions not stated): gnomAD exomes below 0.00001.
gnomAD v4.1: 1 of 1,613,994 alleles (0.000062%); highest among the groups gnomAD compares: Non-Finnish European, 0.000085%; no homozygotes.

Submissions (3):

Labcorp Genetics (formerly Invitae), Labcorp
Classification: Pathogenic. Last evaluated: 2025-10-07. Review status: criteria provided, single submitter. Criteria: Invitae Variant Classification Sherloc (09022015). Collection method: clinical testing. Allele origin: germline.
Comment: This sequence change creates a premature translational stop signal (p.Trp369*) in the POLE gene. It is expected to result in an absent or disrupted protein product. Loss-of-function variants in POLE are known to be pathogenic (PMID: 23230001, 25948378, 30503519). This variant is not present in population databases (gnomAD no frequency). This variant has not been reported in the literature in individuals affected with POLE-related conditions. ClinVar contains an entry for this variant (Variation ID: 545976). For these reasons, this variant has been classified as Pathogenic.

Ambry Genetics
Classification: Uncertain significance for Hereditary cancer-predisposing syndrome. Last evaluated: 2025-02-13. Review status: criteria provided, single submitter. Criteria: Ambry Variant Classification Scheme 2023. Collection method: clinical testing. Allele origin: germline.
Comment: The p.W369* variant (also known as c.1107G>A), located in coding exon 12 of the POLE gene, results from a G to A substitution at nucleotide position 1107. This changes the amino acid from a tryptophan to a stop codon within coding exon 12. This alteration is expected to result in loss of function by premature protein truncation or nonsense-mediated mRNA decay. Although biallelic loss of function of POLE has been associated with autosomal recessive POLE deficiency, haploinsufficiency of POLE has not been established as a mechanism of disease for POLE-related polymerase proofreading-associated polyposis (PPAP) and POLE-related CMMRD-like syndrome. Based on the supporting evidence, this variant is expected to be causative of POLE deficiency when present along with a second pathogenic variant on the other allele; however, its clinical significance for PPAP and POLE-related CMMRD-like syndrome is unclear.

GeneDx
Classification: Uncertain significance. Last evaluated: 2016-03-02. Review status: criteria provided, single submitter. Criteria: GeneDx Variant Classification (06012015). Collection method: clinical testing. Allele origin: germline. Affected: yes.
Comment: This variant is denoted POLE c.1107G>A at the cDNA level and p.Trp369Ter (W369X) at the protein level. The substitution creates a nonsense variant, which changes a Tryptophan to a premature stop codon (TGG>TGA) , and is predicted to cause loss of normal protein function through either protein truncation or nonsense-mediated mRNA decay. This variant has not, to our knowledge, been published in the literature as either a pathogenic germline variant or a benign polymorphism. However, it has been reported as a somatic variant in a microsatellite stable colorectal tumor also found to harbor a POLE missense variant, Ala480Val (Stenzinger 2014). While some missense variants have been recognized as an underlying cause of Polymerase Proofreading-Associated Polyposis (PPAP), there are no data at this time to support that loss-of-function variants confer the same cancer risks. We therefore consider POLE Trp369Ter to be a variant of uncertain significance with respect to cancer. To date, the majority of publications regarding POLE and colorectal cancer risk are confined to missense variants within the exonuclease domain (Palles 2013, Spier 2015). However, a splice variant and a frameshift variant have been reported. Pachlopnik Schmid et al. (2012) observed a splice variant at the +3 position in intron 34, in the homozygous state, in 11 family members with facial dysmorphism, immunodeficiency, livedo, and short stature (FILS) from a large consanguineous family; however, they noted that all heterozygous carriers were asymptomatic and did not have a history of cancer. As described above, facial dysmorphism, immunodeficiency, livedo, and short stature (FILS) appears to be a rare autosomal recessive condition associated with two loss-of-function variants in POLE (Pachlopnik Schmid 2012). For individuals and family members of reproductive age, assessment of the reproductive risk associated with being a carrier of a loss of function POLE variant may be considered.

Literature cited by the submitters: PubMed 23230001 (cited by Labcorp Genetics (formerly Invitae), Labcorp); PubMed 25948378 (cited by Labcorp Genetics (formerly Invitae), Labcorp); PubMed 30503519 (cited by Labcorp Genetics (formerly Invitae), Labcorp).